The following is an entry in ClinVar:

NM_201384.3(PLEC):c.2458-7G>A

Gene: PLEC (plectin; minus strand). Cytogenetic location: 8q24.3.
Variant type: single nucleotide variant.
Coding change: c.2458-7G>A on transcript NM_201384.3 (MANE Select); 7 bases into the intron before coding-DNA position 2458, G replaced by A.
Molecular consequence: intron variant.
Genome position (GRCh38, 1-based): chr8:143,930,305, C>T on the plus strand (G>A on the coding strand, the complement: PLEC is on the minus strand). VCF-style: chr8-143930305-C-T. GRCh37 (hg19) VCF-style: chr8-145004473-C-T.
Other names: c.2539-7G>A (NM_000445.5); c.2416-7G>A (NM_201378.4); c.2392-7G>A (NM_201379.3); c.2869-7G>A (NM_201380.4); c.2362-7G>A (NM_201381.3); c.2458-7G>A (NM_201382.4); c.2470-7G>A (NM_201383.3).
Identifiers: ClinVar variation 286037 (VCV000286037.43), dbSNP rs372799330, ClinGen allele CA4927507.

ClinVar aggregate classification (germline): Conflicting classifications of pathogenicity. Review status: criteria provided, conflicting classifications (1 of 4 stars). 7 submissions from 7 submitters: Uncertain significance (1); Benign (2); Likely benign (4). Last evaluated 2026-02-19.

Conditions:
PLEC-related disorder. Also called: PLEC-related condition; PLEC-related disorders.
Autosomal recessive limb-girdle muscular dystrophy type 2Q (LGMDR17). Also called: MUSCULAR DYSTROPHY, LIMB-GIRDLE, AUTOSOMAL RECESSIVE 17. Identifiers: Orphanet 254361, MedGen C3150989, MONDO:0013390, OMIM 613723.
Epidermolysis bullosa simplex with nail dystrophy (EBS5D). Identifiers: MedGen C4225309, MONDO:0014661, OMIM 616487.
Epidermolysis bullosa simplex 5C, with pyloric atresia (EBS5C). Also called: PLEC-Related Epidermolysis Bullosa with Pyloric Atresia; PLEC1-Related Epidermolysis Bullosa with Pyloric Atresia; Epidermolysis bullosa simplex with pyloric atresia. Identifiers: Orphanet 158684, MedGen C2677349, MONDO:0012807, OMIM 612138.
Epidermolysis bullosa simplex, Ogna type (EBS5A). Also called: Pidermolysis bullosa simplex 5A, Ogna type; EPIDERMOLYSIS BULLOSA SIMPLEX 5A, OGNA TYPE. Identifiers: Orphanet 79401, MedGen C0432317, MONDO:0007555, OMIM 131950.
Epidermolysis bullosa simplex 5B, with muscular dystrophy (EBS5B). Also called: Epidermolysis bullosa simplex with muscular dystrophy; EPIDERMOLYSIS BULLOSA SIMPLEX AND LIMB-GIRDLE MUSCULAR DYSTROPHY. Identifiers: Orphanet 257, MedGen C2931072, MONDO:0009181, OMIM 226670.

Allele frequency attached by ClinVar (database versions not stated): gnomAD 0.00010; gnomAD exomes 0.00015 and 0.00042; TOPMed 0.00021; 1000 Genomes Project 30x 0.00062; ExAC 0.00078; 1000 Genomes Project 0.00100.
gnomAD v4.1: 247 of 1,599,870 alleles (0.015%); highest among the groups gnomAD compares: South Asian, 0.15%; 6 homozygotes.

Submissions (7):

PreventionGenetics, part of Exact Sciences
Classification: Benign for PLEC-related condition. Last evaluated: 2026-02-19. Review status: criteria provided, single submitter. Criteria: ACMG Guidelines, 2015. Collection method: clinical testing. Allele origin: germline.
Comment: This variant is classified as benign based on ACMG/AMP sequence variant interpretation guidelines (Richards et al. 2015 PMID: 25741868, with internal and published modifications).

Labcorp Genetics (formerly Invitae), Labcorp
Classification: Benign for Autosomal recessive limb-girdle muscular dystrophy type 2Q; Epidermolysis bullosa simplex, Ogna type; Epidermolysis bullosa simplex with nail dystrophy; Epidermolysis bullosa simplex 5C, with pyloric atresia; Epidermolysis bullosa simplex 5B, with muscular dystrophy. Last evaluated: 2025-12-25. Review status: criteria provided, single submitter. Criteria: Invitae Variant Classification Sherloc (09022015). Collection method: clinical testing. Allele origin: germline.

Revvity Omics, Revvity
Classification: Likely benign. Last evaluated: 2024-10-28. Review status: criteria provided, single submitter. Criteria: ACMG Guidelines, 2015. Collection method: clinical testing. Allele origin: germline.

Blueprint Genetics
Classification: Likely benign. Last evaluated: 2024-08-21. Review status: criteria provided, single submitter. Criteria: ACMG Guidelines, 2015. Collection method: clinical testing. Allele origin: germline.

CeGaT Center for Human Genetics Tuebingen
Classification: Likely benign. Last evaluated: 2022-11-01. Review status: criteria provided, single submitter. Criteria: CeGaT Center For Human Genetics Tuebingen Variant Classification Criteria Version 2. Collection method: clinical testing. Allele origin: germline. Affected: yes. Observed: 1 variant allele.
Comment: PLEC: BP4

GeneDx
Classification: Likely benign. Last evaluated: 2017-03-29. Review status: criteria provided, single submitter. Criteria: GeneDx Variant Classification (06012015). Collection method: clinical testing. Allele origin: germline. Affected: yes.
Comment: This variant is considered likely benign or benign based on one or more of the following criteria: it is a conservative change, it occurs at a poorly conserved position in the protein, it is predicted to be benign by multiple in silico algorithms, and/or has population frequency not consistent with disease.

Eurofins Ntd Llc (ga)
Classification: Uncertain significance. Last evaluated: 2016-02-03. Review status: criteria provided, single submitter. Criteria: EGL Classification Definitions 2015. Collection method: clinical testing. Allele origin: germline. Observed: 4 variant alleles, 4 heterozygotes.